The following is an entry in ClinVar:

ClinVar aggregate classification (germline): Likely pathogenic (1 of 4 stars; one submission).

Conditions:
Familial thoracic aortic aneurysm and aortic dissection (TAAD). Also called: Thoracic aortic aneurysms and dissections. Identifiers: Orphanet 91387, MedGen C4707243, MONDO:0019625.

Submission:

Ambry Genetics
Classification: Likely pathogenic for Familial thoracic aortic aneurysm and aortic dissection. Last evaluated: 2025-07-30. Review status: criteria provided, single submitter. Criteria: Ambry Variant Classification Scheme 2023. Collection method: clinical testing. Allele origin: germline.
Comment: The p.G687R variant (also known as c.2059G>A), located in coding exon 30 of the COL3A1 gene, results from a G to A substitution at nucleotide position 2059. The glycine at codon 687 is replaced by arginine, an amino acid with dissimilar properties. The majority (approximately two-thirds) ofCOL3A1mutations identified to date have involved the substitution of another amino acid for glycine within the triple-helical domain (PepinMG et al.GenetMed.2014;16(12):881-8; Frank M et al.Eur J Hum Genet. 2015;23(12):1657-64). This variant was reported in individual(s) with features consistent with COL3A1-related Ehlers-Danlos syndrome (Ambry internal). Internal structural analysis indicates that this alteration disrupts the characteristic G-X-Y motif in theCOL3A1protein and inserts a bulky side chain into asterically-constrainedregion (Bella J et al.Science.1994;266:75-81;HohenesterE et al.Proc. Natl.Acad. Sci. U.S.A.2008;105:18273-7; Ambry internal data). Another variant resulting in the same amino acid change (c.2059G>C) has been identified in an individual with features consistent with COL3A1-related Ehlers-Danlos syndrome (Pepin MG et al. Genet Med, 2014 Dec;16:881-8). This amino acid position is highly conserved in available vertebrate species. In addition, this alteration is predicted to be deleterious by in silico analysis. This variant is considered to be rare based on population cohorts in the Genome Aggregation Database (gnomAD). Based on the majority of available evidence to date, this variant is likely to be pathogenic.

Literature cited by the submitters: PubMed 24922459.

NM_000090.4(COL3A1):c.2059G>A (p.Gly687Arg)

Gene: COL3A1 (collagen type III alpha 1 chain; plus strand). Cytogenetic location: 2q32.2.
Variant type: single nucleotide variant.
Coding change: c.2059G>A on transcript NM_000090.4 (MANE Select); coding-DNA position 2059, G replaced by A.
Protein change: p.Gly687Arg; replaces glycine 687 with arginine.
Molecular consequence: missense variant.
Genome position (GRCh38, 1-based): chr2:188,999,321, G>A. VCF-style: chr2-188999321-G-A. GRCh37 (hg19) VCF-style: chr2-189864047-G-A.
Other names: short protein forms G687R.
Identifiers: ClinVar variation 4232240 (VCV004232240.1).